The following is an entry in ClinVar:

ClinVar aggregate classification (germline): Uncertain significance (0 of 4 stars; one submission).

Conditions:
Prostate cancer. Also called: Malignant tumor of prostate. Identifiers: Orphanet 1331, MedGen C0376358, MONDO:0008315, HP:0012125.

Submission:

Science for Life laboratory,  Karolinska Institutet
Classification: Uncertain significance for Malignant tumor of prostate. Review status: no assertion criteria provided. Collection method: not provided. Allele origin: somatic.
Comment: TumorID:SWE-16
ClinVar note: Converted during submission from Unknown to Uncertain significance.

NM_022168.4(IFIH1):c.816A>C (p.Glu272Asp)

Gene: IFIH1 (interferon induced with helicase C domain 1; minus strand). Cytogenetic location: 2q24.2.
Variant type: single nucleotide variant.
Coding change: c.816A>C on transcript NM_022168.4 (MANE Select); coding-DNA position 816, A replaced by C.
Protein change: p.Glu272Asp; replaces glutamic acid 272 with aspartic acid.
Molecular consequence: missense variant.
Genome position (GRCh38, 1-based): chr2:162,293,622, T>G on the plus strand (A>C on the coding strand, the complement: IFIH1 is on the minus strand). VCF-style: chr2-162293622-T-G. GRCh37 (hg19) VCF-style: chr2-163150132-T-G.
Other names: c.816A>C, p.Glu272Asp (LRG_1235t1); short protein forms E272D.
Identifiers: ClinVar variation 161758 (VCV000161758.2), dbSNP rs193920867, ClinGen allele CA174730.